The following is an entry in ClinVar:

ClinVar aggregate classification (germline): Uncertain significance. Review status: criteria provided, multiple submitters, no conflicts (2 of 4 stars). 2 submissions from 2 submitters: Uncertain significance (2). Last evaluated 2026-01-20.

Conditions:
Cardiovascular phenotype. Identifiers: MedGen CN230736.
Catecholaminergic polymorphic ventricular tachycardia 1. Also called: VENTRICULAR TACHYCARDIA, STRESS-INDUCED POLYMORPHIC 1; RYR2-Related Catecholaminergic Polymorphic Ventricular Tachycardia; VENTRICULAR TACHYCARDIA, CATECHOLAMINERGIC POLYMORPHIC, 1, WITH OR WITHOUT ATRIAL DYSFUNCTION AND/OR DILATED CARDIOMYOPATHY. Identifiers: Orphanet 3286, MedGen C1631597, MONDO:0011484, OMIM 604772.

Allele frequency attached by ClinVar (database versions not stated): ExAC 0.00001; gnomAD exomes 0.00001.
gnomAD v4.1: 4 of 1,567,804 alleles (0.00026%); highest among the groups gnomAD compares: Admixed American, 0.0069%; no homozygotes.

Submissions (2):

Labcorp Genetics (formerly Invitae), Labcorp
Classification: Uncertain significance for Catecholaminergic polymorphic ventricular tachycardia 1. Last evaluated: 2026-01-20. Review status: criteria provided, single submitter. Criteria: Invitae Variant Classification Sherloc (09022015). Collection method: clinical testing. Allele origin: germline.
Comment: This sequence change replaces isoleucine, which is neutral and non-polar, with phenylalanine, which is neutral and non-polar, at codon 3290 of the RYR2 protein (p.Ile3290Phe). This variant is present in population databases (rs772114329, gnomAD 0.01%). This variant has not been reported in the literature in individuals affected with RYR2-related conditions. ClinVar contains an entry for this variant (Variation ID: 2587827). Invitae Evidence Modeling of protein sequence and biophysical properties (such as structural, functional, and spatial information, amino acid conservation, physicochemical variation, residue mobility, and thermodynamic stability) has been performed for this missense variant. However, the output from this modeling did not meet the statistical confidence thresholds required to predict the impact of this variant on RYR2 protein function. In summary, the available evidence is currently insufficient to determine the role of this variant in disease. Therefore, it has been classified as a Variant of Uncertain Significance.

Ambry Genetics
Classification: Uncertain significance for Cardiovascular phenotype. Last evaluated: 2023-07-05. Review status: criteria provided, single submitter. Criteria: Ambry Variant Classification Scheme 2023. Collection method: clinical testing. Allele origin: germline.
Comment: The p.I3290F variant (also known as c.9868A>T), located in coding exon 68 of the RYR2 gene, results from an A to T substitution at nucleotide position 9868. The isoleucine at codon 3290 is replaced by phenylalanine, an amino acid with highly similar properties. This amino acid position is well conserved in available vertebrate species. In addition, the in silico prediction for this alteration is inconclusive. Since supporting evidence is limited at this time, the clinical significance of this alteration remains unclear.

NM_001035.3(RYR2):c.9868A>T (p.Ile3290Phe)

Gene: RYR2 (ryanodine receptor 2; plus strand). Cytogenetic location: 1q43.
Variant type: single nucleotide variant.
Coding change: c.9868A>T on transcript NM_001035.3 (MANE Select); coding-DNA position 9868, A replaced by T.
Protein change: p.Ile3290Phe; replaces isoleucine 3290 with phenylalanine.
Molecular consequence: missense variant.
Genome position (GRCh38, 1-based): chr1:237,707,236, A>T. VCF-style: chr1-237707236-A-T. GRCh37 (hg19) VCF-style: chr1-237870536-A-T.
Other names: short protein forms I3290F.
Identifiers: ClinVar variation 2587827 (VCV002587827.3), dbSNP rs772114329, ClinGen allele CA087965.